The following is an entry in ClinVar:

ClinVar aggregate classification (germline): Pathogenic (1 of 4 stars; one submission).

Conditions:
Sturge-Weber syndrome (SWS). Also called: STURGE-WEBER SYNDROME, SOMATIC, MOSAIC; Encephalotrigeminal angiomatosis; Fourth phacomatosis; Meningeal capillary angiomatosis; Leptomeningeal angiomatosis; Encephalofacial angiomatosis. Identifiers: Orphanet 3205, MedGen C0038505, MONDO:0008501, OMIM 185300.

Submission:

Clinical Genomics Laboratory, Washington University in St. Louis
Classification: Pathogenic for Sturge-Weber syndrome. Last evaluated: 2023-12-18. Review status: criteria provided, single submitter. Criteria: ACMG Guidelines, 2015. Collection method: clinical testing. Allele origin: somatic. Affected: yes.
Comment: A GNAQ c.626A>T (p.Gln209Leu) variant was identified at an allelic fraction consistent with somatic origin. This variant has been reported in multiple individuals affected with various forms of nevi (Bender RP et al., PMID: 23599145; Colebatch AJ et al., PMID: 35439782; Van Raamsdonk CD et al., PMID: 19078957) and has been reported in multiple cancer cases as a somatic variant in the cancer database COSMIC (COSMIC ID: COSV54105914). This variant is absent from the general population database (gnomAD v4.0.0), indicating it is not a common variant. This variant resides within the GTP-binding site of the ras-like domain, amino acids 40-353, of GNAQ, which is defined as a critical functional domain (Markby DW et al., PMID: 8266082; Van Raamsdonk CD et al., PMID: 19078957). Computational predictors indicate that the GNAQ c.626A>T (p.Gln209Leu) variant is damaging, evidence that correlates with impact on GNAQ function. In support of this prediction, functional studies show increased activation of mitogen-activated protein kinase (MAPK) signaling pathways and associated downstream transcriptional programs leading to cellular transformation (Galeffi F et al., PMID: 35635655; Thomas AC et al., PMID: 26778290; Van Raamsdonk CD et al., PMID: 19078957). Other variants in the same codon, p.Gln209His, p.Gln209Arg and p.Gln209Pro, have been reported in multiple individuals and are considered pathogenic (Van Raamsdonk CD et al., PMID: 19078957; ClinVar IDs: 1172602, 1172601, 375956, 375957). Based on an internally-developed protocol informed by the ACMG/AMP guidelines (Richards S et al., PMID: 25741868), the GNAQ c.626A>T (p.Gln209Leu) variant is classified as pathogenic.

NM_002072.5(GNAQ):c.626A>T (p.Gln209Leu)

Gene: GNAQ (G protein subunit alpha q; minus strand). Cytogenetic location: 9q21.2.
Variant type: single nucleotide variant.
Coding change: c.626A>T on transcript NM_002072.5 (MANE Select); coding-DNA position 626, A replaced by T.
Protein change: p.Gln209Leu; replaces glutamine 209 with leucine.
Molecular consequence: missense variant.
Genome position (GRCh38, 1-based): chr9:77,794,572, T>A on the plus strand (A>T on the coding strand, the complement: GNAQ is on the minus strand). VCF-style: chr9-77794572-T-A. GRCh37 (hg19) VCF-style: chr9-80409488-T-A.
Other names: short protein forms Q209L.
Identifiers: ClinVar variation 375955 (VCV000375955.2), dbSNP rs121913492, ClinGen allele CA16602434.